The following is an entry in ClinVar:

NM_006231.4(POLE):c.5056C>G (p.Leu1686Val)

Gene: POLE (DNA polymerase epsilon, catalytic subunit; minus strand). Cytogenetic location: 12q24.33.
Variant type: single nucleotide variant.
Coding change: c.5056C>G on transcript NM_006231.4 (MANE Select); coding-DNA position 5056, C replaced by G.
Protein change: p.Leu1686Val; replaces leucine 1686 with valine.
Molecular consequence: missense variant.
Genome position (GRCh38, 1-based): chr12:132,642,294, G>C on the plus strand (C>G on the coding strand, the complement: POLE is on the minus strand). VCF-style: chr12-132642294-G-C. GRCh37 (hg19) VCF-style: chr12-133218880-G-C.
Other names: short protein forms L1686V.
Identifiers: ClinVar variation 540747 (VCV000540747.15), dbSNP rs1476020004, ClinGen allele CA387377103.

ClinVar aggregate classification (germline): Conflicting classifications of pathogenicity. Review status: criteria provided, conflicting classifications (1 of 4 stars). 3 submissions from 3 submitters: Uncertain significance (2); Likely benign (1). Last evaluated 2025-11-17.

Conditions:
Hereditary cancer-predisposing syndrome. Also called: Neoplastic Syndromes, Hereditary; Hereditary Cancer Syndrome; Hereditary neoplastic syndrome; Tumor predisposition. Identifiers: Orphanet 140162, MedGen C0027672, MeSH D009386, MONDO:0015356.

Allele frequency attached by ClinVar (database versions not stated): gnomAD exomes below 0.00001; TOPMed below 0.00001.
gnomAD v4.1: 1 of 1,606,142 alleles (0.000062%); highest among the groups gnomAD compares: Admixed American, 0.0017%; no homozygotes.

Submissions (3):

Labcorp Genetics (formerly Invitae), Labcorp
Classification: Uncertain significance. Last evaluated: 2025-11-17. Review status: criteria provided, single submitter. Criteria: Invitae Variant Classification Sherloc (09022015). Collection method: clinical testing. Allele origin: germline.
Comment: This sequence change replaces leucine, which is neutral and non-polar, with valine, which is neutral and non-polar, at codon 1686 of the POLE protein (p.Leu1686Val). The frequency data for this variant in the population databases is considered unreliable, as metrics indicate poor data quality at this position in the gnomAD database. This variant has not been reported in the literature in individuals affected with POLE-related conditions. ClinVar contains an entry for this variant (Variation ID: 540747). Invitae Evidence Modeling of protein sequence and biophysical properties (such as structural, functional, and spatial information, amino acid conservation, physicochemical variation, residue mobility, and thermodynamic stability) indicates that this missense variant is not expected to disrupt POLE protein function with a negative predictive value of 80%. In summary, the available evidence is currently insufficient to determine the role of this variant in disease. Therefore, it has been classified as a Variant of Uncertain Significance.

Ambry Genetics
Classification: Likely benign for Hereditary cancer-predisposing syndrome. Last evaluated: 2025-03-24. Review status: criteria provided, single submitter. Criteria: Ambry Variant Classification Scheme 2023. Collection method: clinical testing. Allele origin: germline.

GeneDx
Classification: Uncertain significance. Last evaluated: 2024-05-14. Review status: criteria provided, single submitter. Criteria: GeneDx Variant Classification Process June 2021. Collection method: clinical testing. Allele origin: germline. Affected: yes.
Comment: Not observed at significant frequency in large population cohorts (gnomAD); In silico analysis indicates that this missense variant does not alter protein structure/function; Has not been previously published as pathogenic or benign to our knowledge